The following is an entry in ClinVar:

NM_001267550.2(TTN):c.104968T>C (p.Tyr34990His)

Genes: TTN (titin; minus strand), TTN-AS1 (TTN antisense RNA 1; plus strand). Cytogenetic location: 2q31.2.
Variant type: single nucleotide variant.
Coding change: c.104968T>C on transcript NM_001267550.2 (MANE Select); coding-DNA position 104968, T replaced by C.
Protein change: p.Tyr34990His; replaces tyrosine 34990 with histidine.
Molecular consequence: missense variant.
Genome position (GRCh38, 1-based): chr2:178,531,647, A>G on the plus strand (T>C on the coding strand, the complement: TTN is on the minus strand). VCF-style: chr2-178531647-A-G. GRCh37 (hg19) VCF-style: chr2-179396374-A-G.
Other names: c.100045T>C, p.Tyr33349His (NM_001256850.1); c.77773T>C, p.Tyr25925His (NM_003319.4); c.97264T>C, p.Tyr32422His (NM_133378.4); c.78148T>C, p.Tyr26050His (NM_133432.3); c.78349T>C, p.Tyr26117His (NM_133437.4); short protein forms Y26117H, Y25925H, Y33349H, Y34990H, Y26050H, Y32422H.
Identifiers: ClinVar variation 2123790 (VCV002123790.4), dbSNP rs2468417906, ClinGen allele CA349409770.

ClinVar aggregate classification (germline): Uncertain significance (1 of 4 stars; one submission).

Conditions:
Autosomal recessive limb-girdle muscular dystrophy type 2J (LGMDR10). Also called: Limb-girdle muscular dystrophy, type 2J; MUSCULAR DYSTROPHY, LIMB-GIRDLE, AUTOSOMAL RECESSIVE 10. Identifiers: Orphanet 140922, MedGen C1837342, MONDO:0012127, OMIM 608807.
Dilated cardiomyopathy 1G (CMD1G). Identifiers: Orphanet 154, MedGen C1858763, MONDO:0011400, OMIM 604145.

Submission:

Labcorp Genetics (formerly Invitae), Labcorp
Classification: Uncertain significance for Dilated cardiomyopathy 1G; Autosomal recessive limb-girdle muscular dystrophy type 2J. Last evaluated: 2023-11-28. Review status: criteria provided, single submitter. Criteria: Invitae Variant Classification Sherloc (09022015). Collection method: clinical testing. Allele origin: germline.
Comment: This sequence change replaces tyrosine, which is neutral and polar, with histidine, which is basic and polar, at codon 34990 of the TTN protein (p.Tyr34990His). This variant is not present in population databases (gnomAD no frequency). This variant has not been reported in the literature in individuals affected with TTN-related conditions. ClinVar contains an entry for this variant (Variation ID: 2123790). Experimental studies and prediction algorithms are not available or were not evaluated, and the functional significance of this variant is currently unknown. This variant is located in the M band of TTN (PMID: 25589632). Non-truncating variants in this region may be relevant for neuromuscular disorders, but have not been definitively shown to cause cardiomyopathy (PMID: 23975875). In summary, the available evidence is currently insufficient to determine the role of this variant in disease. Therefore, it has been classified as a Variant of Uncertain Significance.

Literature cited by the submitters: PubMed 25589632; PubMed 23975875.